The following is an entry in ClinVar:

ClinVar aggregate classification (germline): Uncertain significance (1 of 4 stars; one submission).

gnomAD v4.1: 13 of 1,613,952 alleles (0.00081%); highest among the groups gnomAD compares: South Asian, 0.0011%; no homozygotes.

Submission:

Labcorp Genetics (formerly Invitae), Labcorp
Classification: Uncertain significance. Last evaluated: 2025-03-25. Review status: criteria provided, single submitter. Criteria: Invitae Variant Classification Sherloc (09022015). Collection method: clinical testing. Allele origin: germline.
Comment: This sequence change replaces aspartic acid, which is acidic and polar, with asparagine, which is neutral and polar, at codon 592 of the GSN protein (p.Asp592Asn). This variant is present in population databases (rs749896585, gnomAD 0.005%). This variant has not been reported in the literature in individuals affected with GSN-related conditions. Invitae Evidence Modeling of protein sequence and biophysical properties (such as structural, functional, and spatial information, amino acid conservation, physicochemical variation, residue mobility, and thermodynamic stability) indicates that this missense variant is expected to disrupt GSN protein function with a positive predictive value of 80%. In summary, the available evidence is currently insufficient to determine the role of this variant in disease. Therefore, it has been classified as a Variant of Uncertain Significance.

NM_198252.3(GSN):c.1621G>A (p.Asp541Asn)

Gene: GSN (gelsolin; plus strand). Cytogenetic location: 9q33.2.
Variant type: single nucleotide variant.
Coding change: c.1621G>A on transcript NM_198252.3 (MANE Select); coding-DNA position 1621, G replaced by A.
Protein change: p.Asp541Asn; replaces aspartic acid 541 with asparagine.
Molecular consequence: missense variant.
Genome position (GRCh38, 1-based): chr9:121,327,341, G>A. VCF-style: chr9-121327341-G-A. GRCh37 (hg19) VCF-style: chr9-124089619-G-A.
Other names: c.1654G>A, p.Asp552Asn (NM_001353063.2, NM_001353064.2, NM_001353065.2 and 13 more transcripts); c.1774G>A, p.Asp592Asn (NM_000177.5); c.1621G>A, p.Asp541Asn (NM_001127662.2, NM_001127664.2, NM_001127665.2 and 10 more transcripts); c.1729G>A, p.Asp577Asn (NM_001127663.2); c.1672G>A, p.Asp558Asn (NM_001258029.2); c.1645G>A, p.Asp549Asn (NM_001258030.2); c.1693G>A, p.Asp565Asn (NM_001353076.2); c.967G>A, p.Asp323Asn (NM_001353078.2); short protein forms D323N, D541N, D549N, D552N, D558N, D565N, D577N, D592N.
Identifiers: ClinVar variation 3603972 (VCV003603972.2).